The following is an entry in ClinVar:

ClinVar aggregate classification (germline): Uncertain significance. Review status: criteria provided, multiple submitters, no conflicts (2 of 4 stars). 2 submissions from 2 submitters: Uncertain significance (2). Last evaluated 2025-10-21.

Conditions:
Progressive sclerosing poliodystrophy (MTDPS4A). Also called: ALPERS PROGRESSIVE INFANTILE POLIODYSTROPHY; NEURONAL DEGENERATION OF CHILDHOOD WITH LIVER DISEASE, PROGRESSIVE; Alpers Syndrome; ALPERS DIFFUSE DEGENERATION OF CEREBRAL GRAY MATTER WITH HEPATIC CIRRHOSIS; Alpers-Huttenlocher Syndrome; Mitochondrial DNA Depletion Syndrome 4A. Identifiers: Orphanet 726, MedGen C0205710, MONDO:0008758, OMIM 203700.

Allele frequency attached by ClinVar (database versions not stated): TOPMed below 0.00001; gnomAD 0.00001.

Submissions (2):

Women's Health and Genetics/Laboratory Corporation of America, LabCorp
Classification: Uncertain significance. Last evaluated: 2025-10-21. Review status: criteria provided, single submitter. Criteria: LabCorp Variant Classification Summary - May 2015. Collection method: clinical testing. Allele origin: germline.
Comment: Variant summary: POLG c.2070G>A (p.Thr690Thr) alters a nucleotide located close to a canonical splice site and therefore could affect mRNA splicing, leading to a significantly altered protein sequence. Several computational tools predict a significant impact on normal splicing: Two predict the variant abolishes a canonical 5' splicing donor site and two predict the variant weakens this site. However, these predictions have yet to be confirmed by functional studies. The variant was absent in 251274 control chromosomes (gnomAD). The available data on variant occurrences in the general population are insufficient to allow any conclusion about variant significance. To our knowledge, no occurrence of c.2070G>A in individuals affected with POLG-related conditions and no experimental evidence demonstrating its impact on protein function have been reported. ClinVar contains an entry for this variant (Variation ID: 2778620). Based on the evidence outlined above, the variant was classified as uncertain significance.

Labcorp Genetics (formerly Invitae), Labcorp
Classification: Uncertain significance for Progressive sclerosing poliodystrophy. Last evaluated: 2024-05-17. Review status: criteria provided, single submitter. Criteria: Invitae Variant Classification Sherloc (09022015). Collection method: clinical testing. Allele origin: germline.
Comment: This sequence change affects codon 690 of the POLG mRNA. It is a 'silent' change, meaning that it does not change the encoded amino acid sequence of the POLG protein. It affects a nucleotide within the consensus splice site. This variant is not present in population databases (gnomAD no frequency). This variant has not been reported in the literature in individuals affected with POLG-related conditions. Algorithms developed to predict the effect of sequence changes on RNA splicing suggest that this variant may disrupt the consensus splice site. In summary, the available evidence is currently insufficient to determine the role of this variant in disease. Therefore, it has been classified as a Variant of Uncertain Significance.

NM_002693.3(POLG):c.2070G>A (p.Thr690=)

Gene: POLG (DNA polymerase gamma, catalytic subunit; minus strand). Cytogenetic location: 15q26.1.
Variant type: single nucleotide variant.
Coding change: c.2070G>A on transcript NM_002693.3 (MANE Select); coding-DNA position 2070, G replaced by A.
Protein change: p.Thr690=; no amino-acid change (threonine 690 retained).
Molecular consequence: synonymous variant.
Genome position (GRCh38, 1-based): chr15:89,324,107, C>T on the plus strand (G>A on the coding strand, the complement: POLG is on the minus strand). VCF-style: chr15-89324107-C-T. GRCh37 (hg19) VCF-style: chr15-89867338-C-T.
Other names: c.2070G>A, p.Thr690= (NM_001126131.2).
Identifiers: ClinVar variation 2778620 (VCV002778620.4), dbSNP rs781368679, ClinGen allele CA492289192.
Genomic context (GRCh38, chr15:89,324,107, plus strand): 5'-CCCTGGGTGGAATACAGAGACCTCCCCTCCCCAAAGCTCAGGTTCAGAGCCTGCCCTCAC[C>T]GTTTGCCATATGGCACTATTGTCAGTGAGCAGGAACTCCTCCGCCAGGCCGGCCTCCTGG-3'
Protein context (NP_002684.1, residues 680-700): LLTDNSAIWQ[Thr690=]VEELDYLEVE